The following is an entry in ClinVar:

ClinVar aggregate classification (germline): Uncertain significance (1 of 4 stars; one submission).

gnomAD v4.1: 100 of 1,612,508 alleles (0.0062%); highest among the groups gnomAD compares: Non-Finnish European, 0.0084%; no homozygotes.

Submission:

CeGaT Center for Human Genetics Tuebingen
Classification: Uncertain significance. Last evaluated: 2026-04-01. Review status: criteria provided, single submitter. Criteria: CeGaT Center For Human Genetics Tuebingen Variant Classification Criteria Version 2. Collection method: clinical testing. Allele origin: germline. Affected: yes. Observed: 1 variant allele.
Comment: RNF213: PM2, BP4

NM_001256071.3(RNF213):c.13510A>G (p.Thr4504Ala)

Genes: RNF213 (ring finger protein 213; plus strand), RNF213-AS1 (RNF213 antisense RNA 1; minus strand). Cytogenetic location: 17q25.3.
Variant type: single nucleotide variant.
Coding change: c.13510A>G on transcript NM_001256071.3 (MANE Select); coding-DNA position 13510, A replaced by G.
Protein change: p.Thr4504Ala; replaces threonine 4504 with alanine.
Molecular consequence: missense variant.
Genome position (GRCh38, 1-based): chr17:80,376,963, A>G. VCF-style: chr17-80376963-A-G. GRCh37 (hg19) VCF-style: chr17-78350763-A-G.
Other names: c.13657A>G, p.Thr4553Ala (NM_001410195.1, NM_020914.5); short protein forms T4504A, T4553A.
Identifiers: ClinVar variation 4873323 (VCV004873323.2).